The following is an entry in ClinVar:

ClinVar aggregate classification (germline): Pathogenic. Review status: reviewed by expert panel (3 of 4 stars). 5 submissions from 5 submitters: Pathogenic (1). 4 of the submissions do not count toward it. Last evaluated 2016-10-18.

Conditions:
Hereditary cancer-predisposing syndrome. Also called: Hereditary Cancer Syndrome; Neoplastic Syndromes, Hereditary; Hereditary neoplastic syndrome; Tumor predisposition. Identifiers: Orphanet 140162, MedGen C0027672, MeSH D009386, MONDO:0015356.
Hereditary breast ovarian cancer syndrome. Also called: Hereditary breast and ovarian cancer syndrome (HBOC); Breast and ovarian cancer; Hereditary breast and ovarian cancer syndrome; Hereditary breast and ovarian cancer; BRCA1- and BRCA2-Associated Hereditary Breast and Ovarian Cancer; Hereditary breast and/or ovarian cancer syndrome. Identifiers: Orphanet 145, MedGen C0677776, MeSH D061325, MONDO:0003582. Disease mechanism: loss of function.
Breast-ovarian cancer, familial, susceptibility to, 1 (BROVCA1). Also called: BRCA1 Hereditary Breast and Ovarian Cancer; OVARIAN CANCER, SUSCEPTIBILITY TO. Identifiers: Orphanet 145, MedGen C2676676, MONDO:0011450, OMIM 604370. Disease mechanism: loss of function.

Submissions (5):

Evidence-based Network for the Interpretation of Germline Mutant Alleles (ENIGMA)
Classification: Pathogenic for Breast-ovarian cancer, familial, susceptibility to, 1. Last evaluated: 2016-10-18. Review status: reviewed by expert panel. Criteria: ENIGMA BRCA1/2 Classification Criteria (2015). Collection method: curation. Allele origin: germline.
Comment: Variant allele predicted to encode a truncated non-functional protein.

Quest Diagnostics Nichols Institute San Juan Capistrano
Classification: Pathogenic. Last evaluated: 2025-07-29. Review status: criteria provided, single submitter. Criteria: Quest Diagnostics criteria. Collection method: clinical testing. Allele origin: unknown. Not counted in ClinVar's aggregate classification.
Comment: The BRCA1 c.1723G>T (p.Glu575*) variant causes the premature termination of BRCA1 protein synthesis. This variant has been reported in the published literature in a large worldwide study of BRCA1/2 positive families (PMID: 29446198 (2018)), in individuals with breast cancer (PMID: 36974006 (2023)), and oral cancer (PMID: 38188288 (2023)). This variant has not been reported in large, multi-ethnic general populations (Genome Aggregation Database). Based on the available information, this variant is classified as pathogenic.

Ambry Genetics
Classification: Pathogenic for Hereditary cancer-predisposing syndrome. Last evaluated: 2024-03-06. Review status: criteria provided, single submitter. Criteria: Ambry Variant Classification Scheme 2023. Collection method: clinical testing. Allele origin: germline. Not counted in ClinVar's aggregate classification.
Comment: The p.E575* pathogenic mutation (also known as c.1723G>T), located in coding exon 9 of the BRCA1 gene, results from a G to T substitution at nucleotide position 1723. This changes the amino acid from a glutamic acid to a stop codon within coding exon 9. This variant is considered to be rare based on population cohorts in the Genome Aggregation Database (gnomAD). This alteration is expected to result in loss of function by premature protein truncation or nonsense-mediated mRNA decay. As such, this alteration is interpreted as a disease-causing mutation.

Labcorp Genetics (formerly Invitae), Labcorp
Classification: Pathogenic for Hereditary breast ovarian cancer syndrome. Last evaluated: 2023-09-11. Review status: criteria provided, single submitter. Criteria: Invitae Variant Classification Sherloc (09022015). Collection method: clinical testing. Allele origin: germline. Not counted in ClinVar's aggregate classification.
Comment: This sequence change creates a premature translational stop signal (p.Glu575*) in the BRCA1 gene. It is expected to result in an absent or disrupted protein product. Loss-of-function variants in BRCA1 are known to be pathogenic (PMID: 20104584). This variant is not present in population databases (gnomAD no frequency). For these reasons, this variant has been classified as Pathogenic. ClinVar contains an entry for this variant (Variation ID: 266183). This premature translational stop signal has been observed in individual(s) with increased risk of breast and/or ovarian cancer (PMID: 29446198).

Consortium of Investigators of Modifiers of BRCA1/2 (CIMBA), c/o University of Cambridge
Classification: Pathogenic for Breast-ovarian cancer, familial, susceptibility to, 1. Last evaluated: 2015-10-02. Review status: criteria provided, single submitter. Criteria: CIMBA Mutation Classification guidelines May 2016. Collection method: clinical testing. Allele origin: germline. Not counted in ClinVar's aggregate classification.

Literature cited by the submitters: PubMed 29446198 (cited by Quest Diagnostics Nichols Institute San Juan Capistrano and Labcorp Genetics (formerly Invitae), Labcorp); PubMed 36974006 (cited by Quest Diagnostics Nichols Institute San Juan Capistrano); PubMed 38188288 (cited by Quest Diagnostics Nichols Institute San Juan Capistrano); PubMed 20104584 (cited by Labcorp Genetics (formerly Invitae), Labcorp).

NM_007294.4(BRCA1):c.1723G>T (p.Glu575Ter)

Gene: BRCA1 (BRCA1 DNA repair associated; minus strand). Cytogenetic location: 17q21.31.
Variant type: single nucleotide variant.
Coding change: c.1723G>T on transcript NM_007294.4 (MANE Select); coding-DNA position 1723, G replaced by T.
Protein change: p.Glu575Ter; replaces glutamic acid 575 with a stop codon.
Molecular consequence: nonsense. On other transcripts: intron variant (137).
Genome position (GRCh38, 1-based): chr17:43,093,808, C>A on the plus strand (G>T on the coding strand, the complement: BRCA1 is on the minus strand). VCF-style: chr17-43093808-C-A. GRCh37 (hg19) VCF-style: chr17-41245825-C-A.
Other names: 1842G>T; c.1510G>T, p.Glu504Ter (NM_001407571.1, NM_001407915.1, NM_001407916.1 and 9 more transcripts); c.1723G>T, p.Glu575Ter (NM_001407581.1, NM_001407582.1, NM_001407583.1 and 30 more transcripts); c.1720G>T, p.Glu574Ter (NM_001407587.1, NM_001407590.1, NM_001407591.1 and 22 more transcripts); c.1645G>T, p.Glu549Ter (NM_001407654.1, NM_001407655.1, NM_001407656.1 and 4 more transcripts); c.1642G>T, p.Glu548Ter (NM_001407659.1, NM_001407660.1, NM_001407661.1 and 1 more transcripts); c.1597G>T, p.Glu533Ter (NM_001407673.1, NM_001407649.1, NM_001407670.1 and 11 more transcripts); c.1600G>T, p.Glu534Ter (NM_001407674.1, NM_001407675.1, NM_001407676.1 and 19 more transcripts); and 41 more; short protein forms E575*, E528*, E447*, E507*, E508*, E533*, E549*, E572*.
Identifiers: ClinVar variation 266183 (VCV000266183.16), dbSNP rs397508902, ClinGen allele CA10589923.